The following is an entry in ClinVar:

NM_052874.5(STX1B):c.691C>T (p.Arg231Cys)

Gene: STX1B (syntaxin 1B; minus strand). Cytogenetic location: 16p11.2.
Variant type: single nucleotide variant.
Coding change: c.691C>T on transcript NM_052874.5 (MANE Select); coding-DNA position 691, C replaced by T.
Protein change: p.Arg231Cys; replaces arginine 231 with cysteine.
Molecular consequence: missense variant.
Genome position (GRCh38, 1-based): chr16:30,993,225, G>A on the plus strand (C>T on the coding strand, the complement: STX1B is on the minus strand). VCF-style: chr16-30993225-G-A. GRCh37 (hg19) VCF-style: chr16-31004546-G-A.
Other names: c.691C>T (NM_052874.3); short protein forms R231C.
Identifiers: ClinVar variation 853246 (VCV000853246.9), dbSNP rs760876430, ClinGen allele CA8018285.

ClinVar aggregate classification (germline): Conflicting classifications of pathogenicity. Review status: criteria provided, conflicting classifications (1 of 4 stars). 2 submissions from 2 submitters: Uncertain significance (1); Likely benign (1). Last evaluated 2024-12-22.

Conditions:
Generalized epilepsy with febrile seizures plus, type 9 (GEFSP9). Also called: GEFS+, TYPE 9. Identifiers: Orphanet 36387, MedGen C4015395, MONDO:0014517, OMIM 616172.
Inborn genetic diseases. Identifiers: MedGen C0950123, MeSH D030342.

Allele frequency attached by ClinVar (database versions not stated): ExAC 0.00001; TOPMed 0.00001; gnomAD exomes 0.00002 and 0.00003.
gnomAD v4.1: 43 of 1,614,184 alleles (0.0027%); highest among the groups gnomAD compares: Non-Finnish European, 0.0036%; no homozygotes.

Submissions (2):

Labcorp Genetics (formerly Invitae), Labcorp
Classification: Uncertain significance for Generalized epilepsy with febrile seizures plus, type 9. Last evaluated: 2024-12-22. Review status: criteria provided, single submitter. Criteria: Invitae Variant Classification Sherloc (09022015). Collection method: clinical testing. Allele origin: germline.
Comment: This sequence change replaces arginine, which is basic and polar, with cysteine, which is neutral and slightly polar, at codon 231 of the STX1B protein (p.Arg231Cys). This variant is present in population databases (rs760876430, gnomAD 0.004%). This variant has not been reported in the literature in individuals affected with STX1B-related conditions. ClinVar contains an entry for this variant (Variation ID: 853246). Invitae Evidence Modeling of protein sequence and biophysical properties (such as structural, functional, and spatial information, amino acid conservation, physicochemical variation, residue mobility, and thermodynamic stability) indicates that this missense variant is not expected to disrupt STX1B protein function with a negative predictive value of 80%. In summary, the available evidence is currently insufficient to determine the role of this variant in disease. Therefore, it has been classified as a Variant of Uncertain Significance.

Ambry Genetics
Classification: Likely benign for Inborn genetic diseases. Last evaluated: 2024-03-01. Review status: criteria provided, single submitter. Criteria: Ambry Variant Classification Scheme 2023. Collection method: clinical testing. Allele origin: germline.